The following is an entry in ClinVar:

NM_005559.4(LAMA1):c.1966C>A (p.Arg656Ser)

Gene: LAMA1 (laminin subunit alpha 1; minus strand). Cytogenetic location: 18p11.31.
Variant type: single nucleotide variant.
Coding change: c.1966C>A on transcript NM_005559.4 (MANE Select); coding-DNA position 1966, C replaced by A.
Protein change: p.Arg656Ser; replaces arginine 656 with serine.
Molecular consequence: missense variant.
Genome position (GRCh38, 1-based): chr18:7,034,564, G>T on the plus strand (C>A on the coding strand, the complement: LAMA1 is on the minus strand). VCF-style: chr18-7034564-G-T. GRCh37 (hg19) VCF-style: chr18-7034563-G-T.
Other names: short protein forms R656S.
Identifiers: ClinVar variation 2190023 (VCV002190023.3), dbSNP rs749582721, ClinGen allele CA8882817.
Genomic context (GRCh38, chr18:7,034,564, plus strand): 5'-TGTAGTTGGCTCTGATCAAAAGATGTGTCACATTGGCAAGGACAGTCATCAGCTGGTCAC[G>T]ATCAATCTGCCTTTTGCTGTGAAAATCTTGGAAGTTTTCAGGCACAAGTCTAACCACGTT-3'
Protein context (NP_005550.2, residues 646-666): QDFHSKRQID[Arg656Ser]DQLMTVLANV

ClinVar aggregate classification (germline): Uncertain significance (1 of 4 stars; one submission).

Allele frequency attached by ClinVar (database versions not stated): ExAC 0.00002.
gnomAD v4.1: 13 of 1,613,992 alleles (0.00081%); highest among the groups gnomAD compares: Admixed American, 0.022%; no homozygotes.

Submission:

Labcorp Genetics (formerly Invitae), Labcorp
Classification: Uncertain significance. Last evaluated: 2022-01-13. Review status: criteria provided, single submitter. Criteria: Invitae Variant Classification Sherloc (09022015). Collection method: clinical testing. Allele origin: germline.
Comment: Algorithms developed to predict the effect of missense changes on protein structure and function (SIFT, PolyPhen-2, Align-GVGD) all suggest that this variant is likely to be disruptive. This variant is present in population databases (rs749582721, gnomAD 0.02%). This variant has not been reported in the literature in individuals affected with LAMA1-related conditions. In summary, the available evidence is currently insufficient to determine the role of this variant in disease. Therefore, it has been classified as a Variant of Uncertain Significance. This sequence change replaces arginine, which is basic and polar, with serine, which is neutral and polar, at codon 656 of the LAMA1 protein (p.Arg656Ser).